The following is an entry in ClinVar:

ClinVar aggregate classification (germline): Uncertain significance (1 of 4 stars; one submission).

Conditions:
Hypertrophic cardiomyopathy 2. Also called: TNNT2-Related Familial Hypertrophic Cardiomyopathy. Identifiers: MedGen C1861864, MONDO:0007266, OMIM 115195.
Dilated cardiomyopathy 1D. Identifiers: Orphanet 154, Orphanet 54260, MedGen C1832243, MONDO:0011095, OMIM 601494.
Cardiomyopathy, familial restrictive, 3. Identifiers: Orphanet 75249, MedGen C2676271, MONDO:0012900, OMIM 612422.

Submission:

Labcorp Genetics (formerly Invitae), Labcorp
Classification: Uncertain significance for Cardiomyopathy, familial restrictive, 3; Hypertrophic cardiomyopathy 2; Dilated cardiomyopathy 1D. Last evaluated: 2025-12-09. Review status: criteria provided, single submitter. Criteria: Invitae Variant Classification Sherloc (09022015). Collection method: clinical testing. Allele origin: germline.
Comment: This sequence change replaces glycine, which is neutral and non-polar, with arginine, which is basic and polar, at codon 186 of the TNNT2 protein (p.Gly186Arg). This variant is not present in population databases (gnomAD no frequency). This variant has not been reported in the literature in individuals affected with TNNT2-related conditions. Invitae Evidence Modeling of protein sequence and biophysical properties (such as structural, functional, and spatial information, amino acid conservation, physicochemical variation, residue mobility, and thermodynamic stability) has been performed for this missense variant. However, the output from this modeling did not meet the statistical confidence thresholds required to predict the impact of this variant on TNNT2 protein function. In summary, the available evidence is currently insufficient to determine the role of this variant in disease. Therefore, it has been classified as a Variant of Uncertain Significance.

NM_001276345.2(TNNT2):c.586G>C (p.Gly196Arg)

Gene: TNNT2 (troponin T2, cardiac type; minus strand). Cytogenetic location: 1q32.1.
Variant type: single nucleotide variant.
Coding change: c.586G>C on transcript NM_001276345.2 (MANE Select); coding-DNA position 586, G replaced by C.
Protein change: p.Gly196Arg; replaces glycine 196 with arginine.
Molecular consequence: missense variant.
Genome position (GRCh38, 1-based): chr1:201,363,310, C>G on the plus strand (G>C on the coding strand, the complement: TNNT2 is on the minus strand). VCF-style: chr1-201363310-C-G. GRCh37 (hg19) VCF-style: chr1-201332438-C-G.
Other names: c.466G>C, p.Gly156Arg (NM_001276346.2); c.556G>C, p.Gly186Arg (NM_001276347.2, NM_001406724.1, NM_001406726.1 and 3 more transcripts); c.586G>C, p.Gly196Arg (NM_001406723.1, NM_000364.4); c.553G>C, p.Gly185Arg (NM_001406725.1); c.541G>C, p.Gly181Arg (NM_001406728.1, NM_001001432.3); short protein forms G181R, G196R, G186R, G156R, G185R.
Identifiers: ClinVar variation 4789265 (VCV004789265.1).